The following is an entry in ClinVar:

ClinVar aggregate classification (germline): Uncertain significance (1 of 4 stars; one submission).

Allele frequency attached by ClinVar (database versions not stated): ExAC 0.00002; gnomAD 0.00005; TOPMed 0.00005; ESP Exome Variant Server 0.00015.

Submission:

Labcorp Genetics (formerly Invitae), Labcorp
Classification: Uncertain significance. Last evaluated: 2024-11-28. Review status: criteria provided, single submitter. Criteria: Invitae Variant Classification Sherloc (09022015). Collection method: clinical testing. Allele origin: germline.
Comment: This sequence change replaces arginine, which is basic and polar, with proline, which is neutral and non-polar, at codon 81 of the MGP protein (p.Arg81Pro). The frequency data for this variant in the population databases is considered unreliable, as metrics indicate poor data quality at this position in the gnomAD database. This variant has not been reported in the literature in individuals affected with MGP-related conditions. ClinVar contains an entry for this variant (Variation ID: 2187453). An algorithm developed to predict the effect of missense changes on protein structure and function (PolyPhen-2) suggests that this variant is likely to be disruptive. In summary, the available evidence is currently insufficient to determine the role of this variant in disease. Therefore, it has been classified as a Variant of Uncertain Significance.

NM_000900.5(MGP):c.242G>C (p.Arg81Pro)

Gene: MGP (matrix Gla protein; minus strand). Cytogenetic location: 12p12.3.
Variant type: single nucleotide variant.
Coding change: c.242G>C on transcript NM_000900.5 (MANE Select); coding-DNA position 242, G replaced by C.
Protein change: p.Arg81Pro; replaces arginine 81 with proline.
Molecular consequence: missense variant.
Genome position (GRCh38, 1-based): chr12:14,882,209, C>G on the plus strand (G>C on the coding strand, the complement: MGP is on the minus strand). VCF-style: chr12-14882209-C-G. GRCh37 (hg19) VCF-style: chr12-15035143-C-G.
Other names: c.317G>C, p.Arg106Pro (NM_001190839.3); short protein forms R106P, R81P.
Identifiers: ClinVar variation 2187453 (VCV002187453.4), dbSNP rs375828646, ClinGen allele CA6465132.
Genomic context (GRCh38, chr12:14,882,209, plus strand): 5'-CCTCGGCGCTTCCTGAAGTAGCGATTATAGGCAGCATTGTATCCATAAACCATGGCGTAG[C>G]GTTCGCAAAGTCTGTAGTCATCACAGGCTTCCCTATTGAGCTCGTGGACAGGCTTAGAGC-3'
Protein context (NP_000891.2, residues 71-91): EACDDYRLCE[Arg81Pro]YAMVYGYNAA